The following is an entry in ClinVar:

ClinVar aggregate classification (germline): Uncertain significance. Review status: criteria provided, multiple submitters, no conflicts (2 of 4 stars). 3 submissions from 3 submitters: Uncertain significance (2). 1 of the submissions does not count toward it. Last evaluated 2022-09-01.

Conditions:
Methylmalonic aciduria and homocystinuria type cblD (MAHCD). Also called: METHYLMALONIC ACIDEMIA, cblH TYPE; Methylmalonic aciduria with homocystinuria cblD type. Identifiers: Orphanet 622, Orphanet 79283, MedGen C1848552, MONDO:0010185, OMIM 277410.

gnomAD v4.1: 1 of 1,587,952 alleles (0.000063%); highest among the groups gnomAD compares: Admixed American, 0.0018%; no homozygotes.

Submissions (3):

Labcorp Genetics (formerly Invitae), Labcorp
Classification: Uncertain significance for Methylmalonic aciduria and homocystinuria type cblD. Last evaluated: 2022-09-01. Review status: criteria provided, single submitter. Criteria: Invitae Variant Classification Sherloc (09022015). Collection method: clinical testing. Allele origin: germline.
Comment: This sequence change falls in intron 6 of the MMADHC gene. It does not directly change the encoded amino acid sequence of the MMADHC protein. It affects a nucleotide within the consensus splice site. This variant is not present in population databases (gnomAD no frequency). This variant has not been reported in the literature in individuals affected with MMADHC-related conditions. ClinVar contains an entry for this variant (Variation ID: 1008950). Variants that disrupt the consensus splice site are a relatively common cause of aberrant splicing (PMID: 17576681, 9536098). Algorithms developed to predict the effect of sequence changes on RNA splicing suggest that this variant is not likely to affect RNA splicing. In summary, the available evidence is currently insufficient to determine the role of this variant in disease. Therefore, it has been classified as a Variant of Uncertain Significance.

Fulgent Genetics
Classification: Uncertain significance for Methylmalonic aciduria and homocystinuria type cblD. Last evaluated: 2022-03-31. Review status: criteria provided, single submitter. Criteria: ACMG Guidelines, 2015. Collection method: clinical testing. Allele origin: unknown.

Natera, Inc.
Classification: Uncertain significance for Methylmalonic aciduria with homocystinuria cblD type. Last evaluated: 2019-11-11. Review status: no assertion criteria provided. Collection method: clinical testing. Allele origin: germline. Not counted in ClinVar's aggregate classification.

Literature cited by the submitters: PubMed 17576681 (cited by Labcorp Genetics (formerly Invitae), Labcorp); PubMed 9536098 (cited by Labcorp Genetics (formerly Invitae), Labcorp).

NM_015702.3(MMADHC):c.609+6T>C

Gene: MMADHC (metabolism of cobalamin associated D; minus strand). Cytogenetic location: 2q23.2.
Variant type: single nucleotide variant.
Coding change: c.609+6T>C on transcript NM_015702.3 (MANE Select); 6 bases into the intron after coding-DNA position 609, T replaced by C.
Molecular consequence: intron variant.
Genome position (GRCh38, 1-based): chr2:149,575,705, A>G on the plus strand (T>C on the coding strand, the complement: MMADHC is on the minus strand). VCF-style: chr2-149575705-A-G. GRCh37 (hg19) VCF-style: chr2-150432219-A-G.
Identifiers: ClinVar variation 1008950 (VCV001008950.11), dbSNP rs1682704400, ClinGen allele CA1297266906.
Genomic context (GRCh38, chr2:149,575,705, plus strand): 5'-GACATTGGTTCACTATTACTTAAATAATGACCATAAAATTAAATTATTAGCAATTGAAAG[A>G]ATTACCTTTTCTAAGAGCACTTCTCTTTCAATTTCTACTTCTTCACTCCAAACAGTCATA-3'